The following is an entry in ClinVar:

ClinVar aggregate classification (germline): Uncertain significance (1 of 4 stars; one submission).

Submission:

GeneDx
Classification: Uncertain significance. Last evaluated: 2021-09-16. Review status: criteria provided, single submitter. Criteria: GeneDx Variant Classification Process June 2021. Collection method: clinical testing. Allele origin: germline. Affected: yes.
Comment: Not observed in large population cohorts (Lek et al., 2016); In silico analysis supports a deleterious effect on protein structure/function; Has not been previously published as pathogenic or benign to our knowledge

NM_153252.5(BRWD3):c.4598_4599delinsTT (p.Ser1533Ile)

Gene: BRWD3 (bromodomain and WD repeat domain containing 3; minus strand). Cytogenetic location: Xq21.1.
Variant type: Indel.
Coding change: c.4598_4599delinsTT on transcript NM_153252.5 (MANE Select); coding-DNA positions 4598 to 4599, GC replaced by TT.
Protein change: p.Ser1533Ile; replaces serine 1533 with isoleucine.
Molecular consequence: missense variant.
Genome position (GRCh38, 1-based): chrX:80,681,396-80,681,397, GC replaced by AA on the plus strand (GC replaced by TT on the coding strand, the reverse complement: BRWD3 is on the minus strand). VCF-style: chrX-80681396-GC-AA. GRCh37 (hg19) VCF-style: chrX-79936895-GC-AA.
Other names: short protein forms S1533I.
Identifiers: ClinVar variation 1313683 (VCV001313683.2), dbSNP rs2147673696, ClinGen allele CA2497029411.